The following is an entry in ClinVar:

NM_001165963.4(SCN1A):c.4002+7A>G

Genes: SCN1A (sodium voltage-gated channel alpha subunit 1; minus strand), LOC102724058 (uncharacterized LOC102724058; plus strand). Cytogenetic location: 2q24.3.
Variant type: single nucleotide variant.
Coding change: c.4002+7A>G on transcript NM_001165963.4 (MANE Select); 7 bases into the intron after coding-DNA position 4002, A replaced by G.
Molecular consequence: intron variant.
Genome position (GRCh38, 1-based): chr2:166,009,712, T>C on the plus strand (A>G on the coding strand, the complement: SCN1A is on the minus strand). VCF-style: chr2-166009712-T-C. GRCh37 (hg19) VCF-style: chr2-166866222-T-C.
Other names: c.3969+7A>G (NM_001353949.2, NM_001353950.2, NM_001353951.2 and 2 more transcripts); c.3918+7A>G (NM_001353958.2, NM_001353957.2, NM_001165964.3); c.4002+7A>G (NM_001202435.3, NM_001353948.2); c.3966+7A>G (NM_001353955.2, NM_001353954.2); c.3915+7A>G (NM_001353960.2); c.1560+7A>G (NM_001353961.2).
Identifiers: ClinVar variation 3355718 (VCV003355718.1).
Genomic context (GRCh38, chr2:166,009,712, plus strand): 5'-TTTTCTAAATTTAATTTAGTTTAATTTTGGCTATATACAATACTTCAGGTTCTTTCATTT[T>C]TCTTACCCTCATCCCTTCAAATCGAGATAAGGCTCTTAGAGGTCTCAGAGCTCTTAGTGT-3'

ClinVar aggregate classification (germline): Likely benign (0 of 4 stars; one submission).

Conditions:
SCN1A-related disorder. Also called: SCN1A-related conditions; SCN1A-related condition; SCN1A-related disorders.

gnomAD v4.1: 4 of 1,603,616 alleles (0.00025%); highest among the groups gnomAD compares: East Asian, 0.009%; no homozygotes.

Submission:

PreventionGenetics, part of Exact Sciences
Classification: Likely benign for SCN1A-related condition. Last evaluated: 2019-04-16. Review status: no assertion criteria provided. Collection method: clinical testing. Allele origin: germline.
Comment: This variant is classified as likely benign based on ACMG/AMP sequence variant interpretation guidelines (Richards et al. 2015 PMID: 25741868, with internal and published modifications).